The following is an entry in ClinVar:

ClinVar aggregate classification (germline): Uncertain significance (1 of 4 stars; one submission).

Conditions:
GATA binding protein 1 related thrombocytopenia with dyserythropoiesis. Also called: GATA1-Related X-Linked Cytopenia; GATA1-Related Cytopenia. Identifiers: MedGen C1845837, MONDO:0100089.
Diamond-Blackfan anemia. Also called: Blackfan Diamond syndrome; Aregenerative anemia chronic congenital; Red cell aplasia, pure hereditary; Congenital hypoplastic anemia; Aase syndrome. Identifiers: Orphanet 124, MedGen C1260899, MeSH D029503, MONDO:0015253, HP:0004810.

gnomAD v4.1: 6 of 1,209,725 alleles (0.0005%); highest among the groups gnomAD compares: African/African-American, 0.0087%; no homozygotes.

Submission:

Labcorp Genetics (formerly Invitae), Labcorp
Classification: Uncertain significance for GATA binding protein 1 related thrombocytopenia with dyserythropoiesis; Diamond-Blackfan anemia. Last evaluated: 2024-05-01. Review status: criteria provided, single submitter. Criteria: Invitae Variant Classification Sherloc (09022015). Collection method: clinical testing. Allele origin: germline.
Comment: This sequence change replaces proline, which is neutral and non-polar, with threonine, which is neutral and polar, at codon 369 of the GATA1 protein (p.Pro369Thr). This variant is not present in population databases (gnomAD no frequency). This variant has not been reported in the literature in individuals affected with GATA1-related conditions. Advanced modeling of protein sequence and biophysical properties (such as structural, functional, and spatial information, amino acid conservation, physicochemical variation, residue mobility, and thermodynamic stability) performed at Invitae indicates that this missense variant is not expected to disrupt GATA1 protein function with a negative predictive value of 80%. In summary, the available evidence is currently insufficient to determine the role of this variant in disease. Therefore, it has been classified as a Variant of Uncertain Significance.

NM_002049.4(GATA1):c.1105C>A (p.Pro369Thr)

Gene: GATA1 (GATA binding protein 1; plus strand). Cytogenetic location: Xp11.23.
Variant type: single nucleotide variant.
Coding change: c.1105C>A on transcript NM_002049.4 (MANE Select); coding-DNA position 1105, C replaced by A.
Protein change: p.Pro369Thr; replaces proline 369 with threonine.
Molecular consequence: missense variant.
Genome position (GRCh38, 1-based): chrX:48,794,027, C>A. VCF-style: chrX-48794027-C-A. GRCh37 (hg19) VCF-style: chrX-48652434-C-A.
Other names: short protein forms P369T.
Identifiers: ClinVar variation 3751656 (VCV003751656.2).